The following is an entry in ClinVar:

NM_001959.4(EEF1B2):c.185dup (p.Tyr62Ter)

Gene: EEF1B2 (eukaryotic translation elongation factor 1 beta 2; plus strand). Cytogenetic location: 2q33.3.
Variant type: Duplication.
Coding change: c.185dup on transcript NM_001959.4 (MANE Select); coding-DNA position 185, one base duplicated (A; older notation c.185dupA).
Protein change: p.Tyr62Ter; replaces tyrosine 62 with a stop codon.
Molecular consequence: nonsense.
Genome position (GRCh38, 1-based): chr2:206,160,692, A duplicated. VCF-style (leftmost placement, unchanged base first): chr2-206160691-T-TA. GRCh37 (hg19) VCF-style: chr2-207025415-T-TA.
Other names: c.185dup, p.Tyr62Ter (NM_001037663.2, NM_021121.4); c.185dupA (NM_001959.4); short protein forms Y62*.
Identifiers: ClinVar variation 1332886 (VCV001332886.3), dbSNP rs2105784954, ClinGen allele CA2573051845.

ClinVar aggregate classification (germline): Pathogenic (1 of 4 stars; one submission).

Conditions:
Global developmental delay (DD). Also called: Cognitive delay. Identifiers: MedGen C0557874, HP:0001263. Disease mechanism: loss of function.

Submission:

Pediatric Department, Peking University First Hospital
Classification: Pathogenic for Global developmental delay. Review status: criteria provided, single submitter. Criteria: ACMG Guidelines, 2015. Collection method: clinical testing. Allele origin: germline. Inheritance: Autosomal recessive inheritance. Affected: yes. Observed: 1 compound heterozygote.
Comment: NM_001959.4:c.185dupA (p.Tyr62*) variant was absent in control populational databases, including 1000 genomes, ExAC, and gnomAD. It located in the second of 6 exons and predicted to trigger nonsense-mediated decay leading to the absence of the protein. it The QPCR analysis suggested NMD-mediated mRNA degradation of EEF1B2 mRNA in the patients. The level of EEF1B2 protein was hardly detected in both patients and their unaffected parents. And the level of EEF1B2 protein in normal control was detected, though the stripe was narrow and light.